The following is an entry in ClinVar:

NM_005188.4(CBL):c.1406T>C (p.Met469Thr)

Gene: CBL (Cbl proto-oncogene; plus strand). Cytogenetic location: 11q23.3.
Variant type: single nucleotide variant.
Coding change: c.1406T>C on transcript NM_005188.4 (MANE Select); coding-DNA position 1406, T replaced by C.
Protein change: p.Met469Thr; replaces methionine 469 with threonine.
Molecular consequence: missense variant.
Genome position (GRCh38, 1-based): chr11:119,278,688, T>C. VCF-style: chr11-119278688-T-C. GRCh37 (hg19) VCF-style: chr11-119149398-T-C.
Other names: c.1406T>C (NM_005188.2); short protein forms M469T.
Identifiers: ClinVar variation 3012603 (VCV003012603.4), dbSNP rs2496941877, ClinGen allele CA382914754.

ClinVar aggregate classification (germline): Uncertain significance. Review status: criteria provided, multiple submitters, no conflicts (2 of 4 stars). 2 submissions from 2 submitters: Uncertain significance (2). Last evaluated 2025-07-20.

Conditions:
RASopathy. Also called: Noonan spectrum disorder; rasopathies. Identifiers: Orphanet 536391, MedGen C5555857, MONDO:0021060.
Cardiovascular phenotype. Identifiers: MedGen CN230736.

gnomAD v4.1: 1 of 1,614,120 alleles (0.000062%); no homozygotes.

Submissions (2):

Labcorp Genetics (formerly Invitae), Labcorp
Classification: Uncertain significance for RASopathy. Last evaluated: 2025-07-20. Review status: criteria provided, single submitter. Criteria: Invitae Variant Classification Sherloc (09022015). Collection method: clinical testing. Allele origin: germline.
Comment: This sequence change replaces methionine, which is neutral and non-polar, with threonine, which is neutral and polar, at codon 469 of the CBL protein (p.Met469Thr). This variant is not present in population databases (gnomAD no frequency). This variant has not been reported in the literature in individuals affected with CBL-related conditions. ClinVar contains an entry for this variant (Variation ID: 3012603). Invitae Evidence Modeling of protein sequence and biophysical properties (such as structural, functional, and spatial information, amino acid conservation, physicochemical variation, residue mobility, and thermodynamic stability) indicates that this missense variant is not expected to disrupt CBL protein function with a negative predictive value of 95%. In summary, the available evidence is currently insufficient to determine the role of this variant in disease. Therefore, it has been classified as a Variant of Uncertain Significance.

Ambry Genetics
Classification: Uncertain significance for Cardiovascular phenotype. Last evaluated: 2024-12-01. Review status: criteria provided, single submitter. Criteria: Ambry Variant Classification Scheme 2023. Collection method: clinical testing. Allele origin: germline.
Comment: The p.M469T variant (also known as c.1406T>C), located in coding exon 9 of the CBL gene, results from a T to C substitution at nucleotide position 1406. The methionine at codon 469 is replaced by threonine, an amino acid with similar properties. This amino acid position is conserved. In addition, the in silico prediction for this alteration is inconclusive. Based on the available evidence, the clinical significance of this variant remains unclear.